The following is an entry in ClinVar:

NM_001029883.3(PCARE):c.2956A>G (p.Arg986Gly)

Gene: PCARE (photoreceptor cilium actin regulator; minus strand). Cytogenetic location: 2p23.2.
Variant type: single nucleotide variant.
Coding change: c.2956A>G on transcript NM_001029883.3 (MANE Select); coding-DNA position 2956, A replaced by G.
Protein change: p.Arg986Gly; replaces arginine 986 with glycine.
Molecular consequence: missense variant.
Genome position (GRCh38, 1-based): chr2:29,071,306, T>C on the plus strand (A>G on the coding strand, the complement: PCARE is on the minus strand). VCF-style: chr2-29071306-T-C. GRCh37 (hg19) VCF-style: chr2-29294172-T-C.
Other names: c.2956A>G (NM_001029883.2); short protein forms R986G.
Identifiers: ClinVar variation 1053946 (VCV001053946.10), dbSNP rs772855158, ClinGen allele CA1592074.
Genomic context (GRCh38, chr2:29,071,306, plus strand): 5'-CTGCTTGAGGCACCCAGTGTGTCCTCGTGGGAGAGGCCTTTCTGCCCACAGGGGGGCTTC[T>C]CTCTCGGCTCTGCCTTGGTCTGGCCAGGCTGGACTCTGAGGTCCTGTTTTGTCCAGATGG-3'
Protein context (NP_001025054.1, residues 976-996): SLARPRQSRE[Arg986Gly]SPPVGRKASP

ClinVar aggregate classification (germline): Uncertain significance. Review status: criteria provided, multiple submitters, no conflicts (2 of 4 stars). 3 submissions from 3 submitters: Uncertain significance (2). 1 of the submissions does not count toward it. Last evaluated 2025-08-02.

Conditions:
PCARE-related disorder. Also called: PCARE-related condition.

Allele frequency attached by ClinVar (database versions not stated): gnomAD exomes 0.00001 and 0.00002; TOPMed 0.00001; ExAC 0.00002.

Submissions (3):

Labcorp Genetics (formerly Invitae), Labcorp
Classification: Uncertain significance. Last evaluated: 2025-08-02. Review status: criteria provided, single submitter. Criteria: Invitae Variant Classification Sherloc (09022015). Collection method: clinical testing. Allele origin: germline.
Comment: This sequence change replaces arginine, which is basic and polar, with glycine, which is neutral and non-polar, at codon 986 of the PCARE protein (p.Arg986Gly). This variant is present in population databases (rs772855158, gnomAD 0.02%). This variant has not been reported in the literature in individuals affected with PCARE-related conditions. ClinVar contains an entry for this variant (Variation ID: 1053946). An algorithm developed to predict the effect of missense changes on protein structure and function (PolyPhen-2) suggests that this variant is likely to be disruptive. In summary, the available evidence is currently insufficient to determine the role of this variant in disease. Therefore, it has been classified as a Variant of Uncertain Significance.

Blueprint Genetics
Classification: Uncertain significance. Last evaluated: 2023-04-24. Review status: criteria provided, single submitter. Criteria: ACMG Guidelines, 2015. Collection method: clinical testing. Allele origin: germline.

PreventionGenetics, part of Exact Sciences
Classification: Uncertain significance for PCARE-related condition. Last evaluated: 2024-09-25. Review status: no assertion criteria provided. Collection method: clinical testing. Allele origin: germline. Not counted in ClinVar's aggregate classification.
Comment: The PCARE c.2956A>G variant is predicted to result in the amino acid substitution p.Arg986Gly. To our knowledge, this variant has not been reported in the literature. This variant is reported in 0.028% of alleles in individuals of East Asian descent in gnomAD. At this time, the clinical significance of this variant is uncertain due to the absence of conclusive functional and genetic evidence.